The following is an entry in ClinVar:

NM_015295.3(SMCHD1):c.482G>T (p.Gly161Val)

Gene: SMCHD1 (structural maintenance of chromosomes flexible hinge domain containing 1; plus strand). Cytogenetic location: 18p11.32.
Variant type: single nucleotide variant.
Coding change: c.482G>T on transcript NM_015295.3 (MANE Select); coding-DNA position 482, G replaced by T.
Protein change: p.Gly161Val; replaces glycine 161 with valine.
Molecular consequence: missense variant.
Genome position (GRCh38, 1-based): chr18:2,673,338, G>T. VCF-style: chr18-2673338-G-T. GRCh37 (hg19) VCF-style: chr18-2673337-G-T.
Other names: short protein forms G161V.
Identifiers: ClinVar variation 662162 (VCV000662162.9), dbSNP rs376920153, ClinGen allele CA8870560.
Genomic context (GRCh38, chr18:2,673,338, plus strand): 5'-CAGCATTTGCTCTTGCGGAATTAATTGACAATTCATTGTCTGCTACTTCTCGTAACATTG[G>T]GGTTAGAAGAATACAGATCAAATTGGTAAGGAAATAATACTGTAAAGCAATTTAACTTTT-3'
Protein context (NP_056110.2, residues 151-171): NSLSATSRNI[Gly161Val]VRRIQIKLLF

ClinVar aggregate classification (germline): Uncertain significance. Review status: criteria provided, multiple submitters, no conflicts (2 of 4 stars). 2 submissions from 2 submitters: Uncertain significance (2). Last evaluated 2022-11-22.

Conditions:
Facioscapulohumeral muscular dystrophy 2 (FSHD2). Also called: MUSCULAR DYSTROPHY, FACIOSCAPULOHUMERAL, TYPE 1B; FACIOSCAPULOHUMERAL MUSCULAR DYSTROPHY 2, DIGENIC; FSHD2, DIGENIC. Identifiers: Orphanet 269, MedGen C1834671, MONDO:0008031, OMIM 158901.

Allele frequency attached by ClinVar (database versions not stated): ExAC 0.00001; gnomAD 0.00001; gnomAD exomes 0.00001; TOPMed 0.00002; ESP Exome Variant Server 0.00008.
gnomAD v4.1: 40 of 1,574,680 alleles (0.0025%); highest among the groups gnomAD compares: Non-Finnish European, 0.0034%; 1 homozygote.

Submissions (2):

Labcorp Genetics (formerly Invitae), Labcorp
Classification: Uncertain significance for Facioscapulohumeral muscular dystrophy 2. Last evaluated: 2022-11-22. Review status: criteria provided, single submitter. Criteria: Invitae Variant Classification Sherloc (09022015). Collection method: clinical testing. Allele origin: germline.
Comment: ClinVar contains an entry for this variant (Variation ID: 662162). In summary, the available evidence is currently insufficient to determine the role of this variant in disease. Therefore, it has been classified as a Variant of Uncertain Significance. Advanced modeling of protein sequence and biophysical properties (such as structural, functional, and spatial information, amino acid conservation, physicochemical variation, residue mobility, and thermodynamic stability) performed at Invitae indicates that this missense variant is not expected to disrupt SMCHD1 protein function. This variant has not been reported in the literature in individuals affected with SMCHD1-related conditions. This variant is present in population databases (rs376920153, gnomAD 0.002%). This sequence change replaces glycine, which is neutral and non-polar, with valine, which is neutral and non-polar, at codon 161 of the SMCHD1 protein (p.Gly161Val).

Revvity Omics, Revvity
Classification: Uncertain significance. Last evaluated: 2020-05-25. Review status: criteria provided, single submitter. Criteria: ACMG Guidelines, 2015. Collection method: clinical testing. Allele origin: germline.